The following is an entry in ClinVar:

ClinVar aggregate classification (germline): Uncertain significance (1 of 4 stars; one submission).

Conditions:
Familial cold autoinflammatory syndrome 3 (FCAS3). Also called: FAMILIAL ATYPICAL COLD URTICARIA; ANTIBODY DEFICIENCY AND IMMUNE DYSREGULATION, PLCG2-ASSOCIATED. Identifiers: Orphanet 300359, MedGen C3280914, MONDO:0013766, OMIM 614468.

gnomAD v4.1: 13 of 1,612,396 alleles (0.00081%); highest among the groups gnomAD compares: South Asian, 0.014%; no homozygotes.

Submission:

Labcorp Genetics (formerly Invitae), Labcorp
Classification: Uncertain significance for Familial cold autoinflammatory syndrome 3. Last evaluated: 2025-08-18. Review status: criteria provided, single submitter. Criteria: Invitae Variant Classification Sherloc (09022015). Collection method: clinical testing. Allele origin: germline.
Comment: This sequence change falls in intron 25 of the PLCG2 gene. It does not directly change the encoded amino acid sequence of the PLCG2 protein. It affects a nucleotide within the consensus splice site. This variant is present in population databases (rs778819782, gnomAD 0.02%). This variant has not been reported in the literature in individuals affected with PLCG2-related conditions. Variants that disrupt the consensus splice site are a relatively common cause of aberrant splicing (PMID: 17576681, 9536098). Algorithms developed to predict the effect of sequence changes on RNA splicing suggest that this variant is not likely to affect RNA splicing. In summary, the available evidence is currently insufficient to determine the role of this variant in disease. Therefore, it has been classified as a Variant of Uncertain Significance.

Literature cited by the submitters: PubMed 17576681; PubMed 9536098.

NM_002661.5(PLCG2):c.2739+6C>G

Gene: PLCG2 (phospholipase C gamma 2; plus strand). Cytogenetic location: 16q23.3.
Variant type: single nucleotide variant.
Coding change: c.2739+6C>G on transcript NM_002661.5 (MANE Select); 6 bases into the intron after coding-DNA position 2739, C replaced by G.
Molecular consequence: intron variant.
Genome position (GRCh38, 1-based): chr16:81,931,660, C>G. VCF-style: chr16-81931660-C-G. GRCh37 (hg19) VCF-style: chr16-81965265-C-G.
Other names: c.2739+6C>G (NM_001425751.1, NM_001425749.1, NM_001425750.1).
Identifiers: ClinVar variation 4730145 (VCV004730145.1).